The following is an entry in ClinVar:

ClinVar aggregate classification (germline): Benign (1 of 4 stars; one submission).

Conditions:
Melanoma-pancreatic cancer syndrome. Identifiers: Orphanet 404560, MedGen C1838547, MONDO:0011713, OMIM 606719. Disease mechanism: loss of function.

Submission:

Myriad Genetics, Inc.
Classification: Benign for Melanoma-pancreatic cancer syndrome. Last evaluated: 2025-08-18. Review status: criteria provided, single submitter. Criteria: Myriad Autosomal Dominant, Autosomal Recessive and X-Linked Classification Criteria (2023). Collection method: clinical testing. Allele origin: unknown.
Comment: This variant is considered benign. This variant is intronic and is not expected to impact mRNA splicing.

NM_000077.5(CDKN2A):c.458-57T>A

Gene: CDKN2A (cyclin dependent kinase inhibitor 2A; minus strand). Cytogenetic location: 9p21.3.
Variant type: single nucleotide variant.
Coding change: c.458-57T>A on transcript NM_000077.5 (MANE Select); 57 bases into the intron before coding-DNA position 458, T replaced by A.
Molecular consequence: intron variant.
Genome position (GRCh38, 1-based): chr9:21,968,299, A>T on the plus strand (T>A on the coding strand, the complement: CDKN2A is on the minus strand). VCF-style: chr9-21968299-A-T. GRCh37 (hg19) VCF-style: chr9-21968298-A-T.
Other names: c.305-57T>A (NM_001363763.2); c.*102-57T>A (NM_058195.4); c.*151-57T>A (NM_001195132.2); c.*381-57T>A (NM_058197.5).
Identifiers: ClinVar variation 4294178 (VCV004294178.1).
Genomic context (GRCh38, chr9:21,968,299, plus strand): 5'-ATGTCTGCAGAGGGCAGAAAGAAAACAGGCGTTAGAAACCTGAGGTCAAAGATGTGTGGC[A>T]CATCCCGCCCTCCTCTCTTGCCGTCCCTACCGGCATTGAAATACTTATGGATAAAGTTCT-3'